The following is an entry in ClinVar:

ClinVar aggregate classification (germline): Benign. Review status: criteria provided, multiple submitters, no conflicts (2 of 4 stars). 8 submissions from 8 submitters: Benign (4). 4 of the submissions do not count toward it. Last evaluated 2025-09-15.

Conditions:
Cardiovascular phenotype. Identifiers: MedGen CN230736.
Dilated cardiomyopathy 1JJ (CMD1JJ). Identifiers: Orphanet 154, MedGen C3808935, MONDO:0014095, OMIM 615235.

Allele frequency attached by ClinVar (database versions not stated): gnomAD 0.99999; TOPMed 0.99999.

Submissions (8):

Labcorp Genetics (formerly Invitae), Labcorp
Classification: Benign for Dilated cardiomyopathy 1JJ. Last evaluated: 2025-09-15. Review status: criteria provided, single submitter. Criteria: Invitae Variant Classification Sherloc (09022015). Collection method: clinical testing. Allele origin: germline.

Blueprint Genetics
Classification: Benign. Last evaluated: 2024-11-27. Review status: criteria provided, single submitter. Criteria: ACMG Guidelines, 2015. Collection method: clinical testing. Allele origin: germline.

Ambry Genetics
Classification: Benign for Cardiovascular phenotype. Last evaluated: 2015-03-11. Review status: criteria provided, single submitter. Criteria: Ambry Variant Classification Scheme 2023. Collection method: clinical testing. Allele origin: germline.

GeneDx
Classification: Benign. Last evaluated: 2013-11-22. Review status: criteria provided, single submitter. Criteria: GeneDx Variant Classification (06012015). Collection method: clinical testing. Allele origin: germline. Affected: yes.
Comment: This variant is considered likely benign or benign based on one or more of the following criteria: it is a conservative change, it occurs at a poorly conserved position in the protein, it is predicted to be benign by multiple in silico algorithms, and/or has population frequency not consistent with disease.

Laboratory for Molecular Medicine, Mass General Brigham Personalized Medicine
No classification provided. Last evaluated: 2011-09-16. Review status: no classification provided. Collection method: clinical testing. Allele origin: germline. Observed: 2 variant alleles. Not counted in ClinVar's aggregate classification.

Clinical Genetics DNA and cytogenetics Diagnostics Lab, Erasmus MC, Erasmus Medical Center
Classification: Benign. Review status: no assertion criteria provided. Collection method: clinical testing. Allele origin: germline. Affected: yes. Study: VKGL Data-share Consensus. Not counted in ClinVar's aggregate classification.

Clinical Genetics, Academic Medical Center
Classification: Benign. Review status: no assertion criteria provided. Collection method: clinical testing. Allele origin: germline. Affected: yes. Study: VKGL Data-share Consensus. Not counted in ClinVar's aggregate classification.

Diagnostic Laboratory, Department of Genetics, University Medical Center Groningen
Classification: Benign. Review status: no assertion criteria provided. Collection method: clinical testing. Allele origin: germline. Affected: yes. Study: VKGL Data-share Consensus. Not counted in ClinVar's aggregate classification.

NM_001105206.3(LAMA4):c.849= (p.Asp283=)

Gene: LAMA4 (laminin subunit alpha 4; minus strand). Cytogenetic location: 6q21.
Variant type: single nucleotide variant.
Coding change: c.849= on transcript NM_001105206.3 (MANE Select); coding-DNA position 849, no change from the reference sequence.
Protein change: p.Asp283=; no amino-acid change (aspartic acid 283 retained).
Molecular consequence: no sequence alteration.
Genome position: GRCh38 VCF-style: chr6-112187567-G-G. GRCh37 (hg19) VCF-style: chr6-112508769-T-G.
Other names: p.A276A:GCA>GCC; c.828=, p.Asp276= (NM_001105207.3, NM_002290.5).
Identifiers: ClinVar variation 138068 (VCV000138068.22), dbSNP rs9387061.